The following is an entry in ClinVar:

ClinVar aggregate classification (germline): Pathogenic (1 of 4 stars; one submission).

Submission:

Labcorp Genetics (formerly Invitae), Labcorp
Classification: Pathogenic. Last evaluated: 2026-01-19. Review status: criteria provided, single submitter. Criteria: Invitae Variant Classification Sherloc (09022015). Collection method: clinical testing. Allele origin: germline.
Comment: This sequence change creates a premature translational stop signal (p.Lys1484Serfs*6) in the CEP250 gene. It is expected to result in an absent or disrupted protein product. Loss-of-function variants in CEP250 are known to be pathogenic (PMID: 24780881, 29718797). This variant is not present in population databases (gnomAD no frequency). This variant has not been reported in the literature in individuals affected with CEP250-related conditions. For these reasons, this variant has been classified as Pathogenic.

Literature cited by the submitters: PubMed 24780881; PubMed 29718797.

NM_007186.6(CEP250):c.4451del (p.Lys1484fs)

Gene: CEP250 (centrosomal protein 250; plus strand). Cytogenetic location: 20q11.22.
Variant type: Deletion.
Coding change: c.4451del on transcript NM_007186.6 (MANE Select); coding-DNA position 4451, one base deleted (A; older notation c.4451delA).
Protein change: p.Lys1484fs; shifts the reading frame from lysine 1484.
Molecular consequence: frameshift variant.
Genome position (GRCh38, 1-based): chr20:35,502,820, A deleted; the last of 2 consecutive A bases (chr20:35,502,819-35,502,820); deleting either gives the same sequence. VCF-style (leftmost placement, unchanged base first): chr20-35502818-GA-G. GRCh37 (hg19) VCF-style: chr20-34090646-GA-G.
Other names: c.2555del, p.Lys852fs (NM_001318219.1); short protein forms K852fs, K1484fs.
Identifiers: ClinVar variation 4735440 (VCV004735440.1).